The following is an entry in ClinVar:

NM_018006.5(TRMU):c.83-2A>C

Gene: TRMU (tRNA mitochondrial 2-thiouridylase; plus strand). Cytogenetic location: 22q13.31.
Variant type: single nucleotide variant.
Coding change: c.83-2A>C on transcript NM_018006.5 (MANE Select); the canonical splice acceptor site of the intron before coding-DNA position 83, A replaced by C.
Molecular consequence: splice acceptor variant.
Genome position (GRCh38, 1-based): chr22:46,337,777, A>C. VCF-style: chr22-46337777-A-C. GRCh37 (hg19) VCF-style: chr22-46733674-A-C.
Other names: c.83-2A>C (NM_001282785.2); c.-153-2A>C (NM_001282782.2); c.-172-2A>C (NM_001282783.2, NM_001282784.2).
Identifiers: ClinVar variation 1503811 (VCV001503811.8), dbSNP rs747853875, ClinGen allele CA411939775.

ClinVar aggregate classification (germline): Likely pathogenic (1 of 4 stars; one submission).

Submission:

Labcorp Genetics (formerly Invitae), Labcorp
Classification: Likely pathogenic. Last evaluated: 2021-06-12. Review status: criteria provided, single submitter. Criteria: Invitae Variant Classification Sherloc (09022015). Collection method: clinical testing. Allele origin: germline.
Comment: In summary, the currently available evidence indicates that the variant is pathogenic, but additional data are needed to prove that conclusively. Therefore, this variant has been classified as Likely Pathogenic. Algorithms developed to predict the effect of sequence changes on RNA splicing suggest that this variant may disrupt the consensus splice site, but this prediction has not been confirmed by published transcriptional studies. This variant has not been reported in the literature in individuals with TRMU-related conditions. This variant is not present in population databases (ExAC no frequency). This sequence change affects an acceptor splice site in intron 1 of the TRMU gene. It is expected to disrupt RNA splicing. Variants that disrupt the donor or acceptor splice site typically lead to a loss of protein function (PMID: 16199547), and loss-of-function variants in TRMU are known to be pathogenic (PMID: 19732863, 23625533).

Literature cited by the submitters: PubMed 16199547; PubMed 19732863; PubMed 23625533.